The following is an entry in ClinVar:

NM_002880.4(RAF1):c.1148C>A (p.Thr383Asn)

Gene: RAF1 (Raf-1 proto-oncogene, serine/threonine kinase; minus strand). Cytogenetic location: 3p25.2.
Variant type: single nucleotide variant.
Coding change: c.1148C>A on transcript NM_002880.4 (MANE Select); coding-DNA position 1148, C replaced by A.
Protein change: p.Thr383Asn; replaces threonine 383 with asparagine.
Molecular consequence: missense variant. On other transcripts: non-coding transcript variant (3).
Genome position (GRCh38, 1-based): chr3:12,591,753, G>T on the plus strand (C>A on the coding strand, the complement: RAF1 is on the minus strand). VCF-style: chr3-12591753-G-T. GRCh37 (hg19) VCF-style: chr3-12633252-G-T.
Other names: c.1208C>A, p.Thr403Asn (NM_001354689.3); c.1148C>A, p.Thr383Asn (NM_001354690.3); c.905C>A, p.Thr302Asn (NM_001354691.3, NM_001354692.3); c.1049C>A, p.Thr350Asn (NM_001354693.3); c.965C>A, p.Thr322Asn (NM_001354694.3); c.806C>A, p.Thr269Asn (NM_001354695.3); short protein forms T350N, T403N, T269N, T302N, T383N, T322N.
Identifiers: ClinVar variation 1733013 (VCV001733013.9), dbSNP rs1458877448, ClinGen allele CA351503974.
Genomic context (GRCh38, chr3:12,591,753, plus strand): 5'-CAGCTTTCTACTCACCGCAGAACAGCCACCTCATTCCTGAAGGCCTGGAATTGCTCTGGG[G>T]TTGGGTCGACAACCTTTAGGATCTTTACTGCAACATCTCCTGCAAAATTAGTTGGCAGTC-3'
Protein context (NP_002871.1, residues 373-393): AVKILKVVDP[Thr383Asn]PEQFQAFRNE

ClinVar aggregate classification (germline): Uncertain significance. Review status: criteria provided, multiple submitters, no conflicts (2 of 4 stars). 3 submissions from 3 submitters: Uncertain significance (3). Last evaluated 2025-08-21.

Conditions:
RAF1-related disorder. Also called: RAF1-related condition; RAF1-related disorders.
Cardiovascular phenotype. Identifiers: MedGen CN230736.
RASopathy. Also called: Noonan spectrum disorder; rasopathies. Identifiers: Orphanet 536391, MedGen C5555857, MONDO:0021060.

Allele frequency attached by ClinVar (database versions not stated): gnomAD exomes below 0.00001.
gnomAD v4.1: 1 of 1,614,200 alleles (0.000062%); highest among the groups gnomAD compares: Admixed American, 0.0017%; no homozygotes.

Submissions (3):

Ambry Genetics
Classification: Uncertain significance for Cardiovascular phenotype. Last evaluated: 2025-08-21. Review status: criteria provided, single submitter. Criteria: Ambry Variant Classification Scheme 2023. Collection method: clinical testing. Allele origin: germline.
Comment: The p.T383N variant (also known as c.1148C>A), located in coding exon 10 of the RAF1 gene, results from a C to A substitution at nucleotide position 1148. The threonine at codon 383 is replaced by asparagine, an amino acid with similar properties. This amino acid position is highly conserved in available vertebrate species. In addition, the in silico prediction for this alteration is inconclusive. Based on the available evidence, the clinical significance of this variant remains unclear.

PreventionGenetics, part of Exact Sciences
Classification: Uncertain significance for RAF1-related condition. Last evaluated: 2023-05-19. Review status: criteria provided, single submitter. Criteria: ACMG Guidelines, 2015. Collection method: clinical testing. Allele origin: germline.
Comment: The RAF1 c.1148C>A variant is predicted to result in the amino acid substitution p.Thr383Asn. To our knowledge, this variant has not been reported in the literature. This variant is reported in 0.0029% of alleles in individuals of Latino descent in gnomAD. At this time, the clinical significance of this variant is uncertain due to the absence of conclusive functional and genetic evidence.

Labcorp Genetics (formerly Invitae), Labcorp
Classification: Uncertain significance for RASopathy. Last evaluated: 2022-09-09. Review status: criteria provided, single submitter. Criteria: Invitae Variant Classification Sherloc (09022015). Collection method: clinical testing. Allele origin: germline.
Comment: In summary, the available evidence is currently insufficient to determine the role of this variant in disease. Therefore, it has been classified as a Variant of Uncertain Significance. Advanced modeling of protein sequence and biophysical properties (such as structural, functional, and spatial information, amino acid conservation, physicochemical variation, residue mobility, and thermodynamic stability) performed at Invitae indicates that this missense variant is expected to disrupt RAF1 protein function. This variant has not been reported in the literature in individuals affected with RAF1-related conditions. This variant is present in population databases (no rsID available, gnomAD 0.003%). This sequence change replaces threonine, which is neutral and polar, with asparagine, which is neutral and polar, at codon 383 of the RAF1 protein (p.Thr383Asn).